The following is an entry in ClinVar:

ClinVar aggregate classification (germline): Uncertain significance. Review status: criteria provided, multiple submitters, no conflicts (2 of 4 stars). 2 submissions from 2 submitters: Uncertain significance (2). Last evaluated 2023-10-15.

Conditions:
Distal myopathy with posterior leg and anterior hand involvement. Also called: WILLIAMS DISTAL MYOPATHY. Identifiers: Orphanet 63273, MedGen C3279722, MONDO:0013550, OMIM 614065.
Myofibrillar myopathy 5. Also called: Filaminopathy (type); FILAMINOPATHY, AUTOSOMAL DOMINANT. Identifiers: Orphanet 171445, MedGen C1836050, MONDO:0012289, OMIM 609524.
Hypertrophic cardiomyopathy 26. Also called: Cardiomyopathy, familial hypertrophic, 26. Identifiers: Orphanet 75249, MedGen C4310749, MONDO:0014883, OMIM 617047.
Cardiovascular phenotype. Identifiers: MedGen CN230736.

Submissions (2):

Ambry Genetics
Classification: Uncertain significance for Cardiovascular phenotype. Last evaluated: 2023-10-15. Review status: criteria provided, single submitter. Criteria: Ambry Variant Classification Scheme 2023. Collection method: clinical testing. Allele origin: germline.
Comment: The p.T2339I variant (also known as c.7016C>T), located in coding exon 42 of the FLNC gene, results from a C to T substitution at nucleotide position 7016. The threonine at codon 2339 is replaced by isoleucine, an amino acid with similar properties. This amino acid position is conserved. In addition, this alteration is predicted to be deleterious by in silico analysis. Since supporting evidence is limited at this time, the clinical significance of this alteration remains unclear.

Labcorp Genetics (formerly Invitae), Labcorp
Classification: Uncertain significance for Distal myopathy with posterior leg and anterior hand involvement; Myofibrillar myopathy 5; Hypertrophic cardiomyopathy 26. Last evaluated: 2023-02-10. Review status: criteria provided, single submitter. Criteria: Invitae Variant Classification Sherloc (09022015). Collection method: clinical testing. Allele origin: germline.
Comment: Advanced modeling of protein sequence and biophysical properties (such as structural, functional, and spatial information, amino acid conservation, physicochemical variation, residue mobility, and thermodynamic stability) performed at Invitae indicates that this missense variant is not expected to disrupt FLNC protein function. ClinVar contains an entry for this variant (Variation ID: 472157). This variant has not been reported in the literature in individuals affected with FLNC-related conditions. This variant is not present in population databases (gnomAD no frequency). This sequence change replaces threonine, which is neutral and polar, with isoleucine, which is neutral and non-polar, at codon 2339 of the FLNC protein (p.Thr2339Ile). In summary, the available evidence is currently insufficient to determine the role of this variant in disease. Therefore, it has been classified as a Variant of Uncertain Significance.

NM_001458.5(FLNC):c.7016C>T (p.Thr2339Ile)

Genes: FLNC (filamin C; plus strand), FLNC-AS1 (FLNC antisense RNA 1; minus strand). Cytogenetic location: 7q32.1.
Variant type: single nucleotide variant.
Coding change: c.7016C>T on transcript NM_001458.5 (MANE Select); coding-DNA position 7016, C replaced by T.
Protein change: p.Thr2339Ile; replaces threonine 2339 with isoleucine.
Molecular consequence: missense variant.
Genome position (GRCh38, 1-based): chr7:128,854,793, C>T. VCF-style: chr7-128854793-C-T. GRCh37 (hg19) VCF-style: chr7-128494847-C-T.
Other names: c.6917C>T, p.Thr2306Ile (NM_001127487.2); short protein forms T2339I, T2306I.
Identifiers: ClinVar variation 472157 (VCV000472157.10), dbSNP rs1554401463, ClinGen allele CA369214932.